The following is an entry in ClinVar:

ClinVar aggregate classification (germline): Likely pathogenic (1 of 4 stars; one submission).

Conditions:
Autosomal recessive limb-girdle muscular dystrophy type 2A (LGMDR1). Also called: MUSCULAR DYSTROPHY, PELVOFEMORAL; Limb-girdle muscular dystrophy, type 2A; LEYDEN-MOEBIUS MUSCULAR DYSTROPHY; Muscular dystrophy, limb-girdle, type 2A, Amish; Calpainopathy. Identifiers: Orphanet 267, MedGen C1869123, MONDO:0009675, OMIM 253600. Disease mechanism: loss of function.

Submission:

Suma Genomics
Classification: Likely pathogenic for Autosomal recessive limb-girdle muscular dystrophy type 2A. Review status: criteria provided, single submitter. Criteria: ACMG Guidelines, 2015. Collection method: clinical testing. Allele origin: germline. Inheritance: Autosomal recessive inheritance. Affected: yes. Observed: 1 homozygote.
Comment: A novel frameshift variant c.1247del, p.(Leu416ProfsTer18) is observed in exon 10 of CAPN3 in homozygous state. This variant is not observed in the gnomAD database. ACMG criteria: PVS1 and PM2_Supporting

NM_000070.3(CAPN3):c.1247del (p.Leu416fs)

Gene: CAPN3 (calpain 3; plus strand). Cytogenetic location: 15q15.1.
Variant type: Deletion.
Coding change: c.1247del on transcript NM_000070.3 (MANE Select); coding-DNA position 1247, one base deleted (T; older notation c.1247delT).
Protein change: p.Leu416fs; shifts the reading frame from leucine 416.
Molecular consequence: frameshift variant.
Genome position (GRCh38, 1-based): chr15:42,399,545, T deleted. VCF-style (leftmost placement, unchanged base first): chr15-42399544-CT-C. GRCh37 (hg19) VCF-style: chr15-42691742-CT-C.
Other names: c.1247del, p.Leu416fs (NM_024344.2); c.1103del, p.Leu368fs (NM_173087.2); short protein forms L368fs, L416fs.
Identifiers: ClinVar variation 3362872 (VCV003362872.2).
Genomic context (GRCh38, chr15:42,399,544, plus strand): 5'-CCTCTCAGGATGTCCTATGAGGATTTCATCTACCATTTCACAAAGTTGGAGATCTGCAAC[CT>C]CACGGCCGATGCTCTGCAGTCTGACAAGCTTCAGACCTGGACAGTGTCTGTGAACGAGGG-3'